The following is an entry in ClinVar:

ClinVar aggregate classification (germline): Uncertain significance (1 of 4 stars; one submission).

gnomAD v4.1: 2 of 1,199,845 alleles (0.00017%); highest among the groups gnomAD compares: Non-Finnish European, 0.00022%; no homozygotes.

Submission:

CeGaT Center for Human Genetics Tuebingen
Classification: Uncertain significance. Last evaluated: 2024-12-01. Review status: criteria provided, single submitter. Criteria: CeGaT Center For Human Genetics Tuebingen Variant Classification Criteria Version 2. Collection method: clinical testing. Allele origin: germline. Affected: yes. Observed: 1 variant allele.
Comment: DLG3: PM2, BP1

NM_021120.4(DLG3):c.1280G>T (p.Arg427Leu)

Genes: DLG3 (discs large MAGUK scaffold protein 3; plus strand), DLG3-AS1 (DLG3 antisense RNA 1; minus strand). Cytogenetic location: Xq13.1.
Variant type: single nucleotide variant.
Coding change: c.1280G>T on transcript NM_021120.4 (MANE Select); coding-DNA position 1280, G replaced by T.
Protein change: p.Arg427Leu; replaces arginine 427 with leucine.
Molecular consequence: missense variant.
Genome position (GRCh38, 1-based): chrX:70,453,771, G>T. VCF-style: chrX-70453771-G-T. GRCh37 (hg19) VCF-style: chrX-69673621-G-T.
Other names: c.269G>T, p.Arg90Leu (NM_020730.3); short protein forms R427L, R90L.
Identifiers: ClinVar variation 3771511 (VCV003771511.13).